The following is an entry in ClinVar:

ClinVar aggregate classification (germline): Uncertain significance. Review status: criteria provided, multiple submitters, no conflicts (2 of 4 stars). 2 submissions from 2 submitters: Uncertain significance (2). Last evaluated 2025-08-10.

gnomAD v4.1: 10 of 1,613,678 alleles (0.00062%); highest among the groups gnomAD compares: Non-Finnish European, 0.00085%; no homozygotes.

Submissions (2):

Ambry Genetics
Classification: Uncertain significance. Last evaluated: 2025-08-10. Review status: criteria provided, single submitter. Criteria: Ambry Variant Classification Scheme 2023. Collection method: clinical testing. Allele origin: germline.

Labcorp Genetics (formerly Invitae), Labcorp
Classification: Uncertain significance. Last evaluated: 2024-09-29. Review status: criteria provided, single submitter. Criteria: Invitae Variant Classification Sherloc (09022015). Collection method: clinical testing. Allele origin: germline.
Comment: This sequence change replaces methionine, which is neutral and non-polar, with leucine, which is neutral and non-polar, at codon 3455 of the HMCN1 protein (p.Met3455Leu). This variant is present in population databases (no rsID available, gnomAD 0.002%). This variant has not been reported in the literature in individuals affected with HMCN1-related conditions. ClinVar contains an entry for this variant (Variation ID: 2165017). An algorithm developed to predict the effect of missense changes on protein structure and function outputs the following: PolyPhen-2: "Possibly Damaging". The leucine amino acid residue is found in multiple mammalian species, which suggests that this missense change does not adversely affect protein function. In summary, the available evidence is currently insufficient to determine the role of this variant in disease. Therefore, it has been classified as a Variant of Uncertain Significance.

NM_031935.3(HMCN1):c.10363A>C (p.Met3455Leu)

Gene: HMCN1 (hemicentin 1; plus strand). Cytogenetic location: 1q31.1.
Variant type: single nucleotide variant.
Coding change: c.10363A>C on transcript NM_031935.3 (MANE Select); coding-DNA position 10363, A replaced by C.
Protein change: p.Met3455Leu; replaces methionine 3455 with leucine.
Molecular consequence: missense variant.
Genome position (GRCh38, 1-based): chr1:186,095,311, A>C. VCF-style: chr1-186095311-A-C. GRCh37 (hg19) VCF-style: chr1-186064443-A-C.
Other names: c.10363A>C (NM_031935.2); short protein forms M3455L.
Identifiers: ClinVar variation 2165017 (VCV002165017.5), dbSNP rs766461506, ClinGen allele CA33486603.